The following is an entry in ClinVar:

NM_004722.4(AP4M1):c.92A>T (p.Glu31Val)

Gene: AP4M1 (adaptor related protein complex 4 subunit mu 1; plus strand). Cytogenetic location: 7q22.1.
Variant type: single nucleotide variant.
Coding change: c.92A>T on transcript NM_004722.4 (MANE Select); coding-DNA position 92, A replaced by T.
Protein change: p.Glu31Val; replaces glutamic acid 31 with valine.
Molecular consequence: missense variant.
Genome position (GRCh38, 1-based): chr7:100,101,913, A>T. VCF-style: chr7-100101913-A-T. GRCh37 (hg19) VCF-style: chr7-99699536-A-T.
Other names: c.92A>T, p.Glu31Val (NM_001363671.2); short protein forms E31V.
Identifiers: ClinVar variation 1495982 (VCV001495982.9), dbSNP rs140286559, ClinGen allele CA4374433.

ClinVar aggregate classification (germline): Uncertain significance (1 of 4 stars; one submission).

Conditions:
Hereditary spastic paraplegia 50 (SPG50). Also called: Spastic paraplegia 50, autosomal recessive. Identifiers: Orphanet 280763, MedGen C2752008, MONDO:0013048, OMIM 612936.

Allele frequency attached by ClinVar (database versions not stated): gnomAD exomes 0.00001; ExAC 0.00003; gnomAD 0.00004 and 0.00005; TOPMed 0.00006; ESP Exome Variant Server 0.00008; 1000 Genomes Project 30x 0.00016; 1000 Genomes Project 0.00020.
gnomAD v4.1: 16 of 1,612,902 alleles (0.00099%); highest among the groups gnomAD compares: African/African-American, 0.015%; no homozygotes.

Submission:

Labcorp Genetics (formerly Invitae), Labcorp
Classification: Uncertain significance for Hereditary spastic paraplegia 50. Last evaluated: 2021-04-10. Review status: criteria provided, single submitter. Criteria: Invitae Variant Classification Sherloc (09022015). Collection method: clinical testing. Allele origin: germline.
Comment: Algorithms developed to predict the effect of missense changes on protein structure and function (SIFT, PolyPhen-2, Align-GVGD) all suggest that this variant is likely to be disruptive, but these predictions have not been confirmed by published functional studies and their clinical significance is uncertain. This variant has not been reported in the literature in individuals with AP4M1-related conditions. This variant is present in population databases (rs140286559, ExAC 0.02%). This sequence change replaces glutamic acid with valine at codon 31 of the AP4M1 protein (p.Glu31Val). The glutamic acid residue is highly conserved and there is a moderate physicochemical difference between glutamic acid and valine. In summary, the available evidence is currently insufficient to determine the role of this variant in disease. Therefore, it has been classified as a Variant of Uncertain Significance.